The following is an entry in ClinVar:

NM_003108.4(SOX11):c.641G>C (p.Gly214Ala)

Gene: SOX11 (SRY-box transcription factor 11; plus strand). Cytogenetic location: 2p25.2.
Variant type: single nucleotide variant.
Coding change: c.641G>C on transcript NM_003108.4 (MANE Select); coding-DNA position 641, G replaced by C.
Protein change: p.Gly214Ala; replaces glycine 214 with alanine.
Molecular consequence: missense variant.
Genome position (GRCh38, 1-based): chr2:5,693,362, G>C. VCF-style: chr2-5693362-G-C. GRCh37 (hg19) VCF-style: chr2-5833494-G-C.
Other names: c.641G>C (NM_003108.3); short protein forms G214A.
Identifiers: ClinVar variation 2682398 (VCV002682398.5), dbSNP rs1438003053, ClinGen allele CA345867127.
Genomic context (GRCh38, chr2:5,693,362, plus strand): 5'-CGGGCGACGACTACGTGCTGGGCAGCCTGCGCGTGAGCGGCTCGGGCGGCGGCGGCGCGG[G>C]CAAGACGGTCAAGTGCGTGTTTCTGGATGAGGACGACGACGACGACGACGACGACGACGA-3'
Protein context (NP_003099.1, residues 204-224): RVSGSGGGGA[Gly214Ala]KTVKCVFLDE

ClinVar aggregate classification (germline): Uncertain significance. Review status: criteria provided, multiple submitters, no conflicts (2 of 4 stars). 3 submissions from 3 submitters: Uncertain significance (3). Last evaluated 2025-08-23.

Conditions:
Inborn genetic diseases. Identifiers: MedGen C0950123, MeSH D030342.

Allele frequency attached by ClinVar (database versions not stated): gnomAD 0.00001; TOPMed 0.00004.
gnomAD v4.1: 1 of 1,591,322 alleles (0.000063%); highest among the groups gnomAD compares: Admixed American, 0.0017%; no homozygotes.

Submissions (3):

Ambry Genetics
Classification: Uncertain significance for Inborn genetic diseases. Last evaluated: 2025-08-23. Review status: criteria provided, single submitter. Criteria: Ambry Variant Classification Scheme 2023. Collection method: clinical testing. Allele origin: germline.

Labcorp Genetics (formerly Invitae), Labcorp
Classification: Uncertain significance. Last evaluated: 2024-08-23. Review status: criteria provided, single submitter. Criteria: Invitae Variant Classification Sherloc (09022015). Collection method: clinical testing. Allele origin: germline.
Comment: This sequence change replaces glycine, which is neutral and non-polar, with alanine, which is neutral and non-polar, at codon 214 of the SOX11 protein (p.Gly214Ala). This variant is not present in population databases (gnomAD no frequency). This variant has not been reported in the literature in individuals affected with SOX11-related conditions. Invitae Evidence Modeling of protein sequence and biophysical properties (such as structural, functional, and spatial information, amino acid conservation, physicochemical variation, residue mobility, and thermodynamic stability) indicates that this missense variant is not expected to disrupt SOX11 protein function with a negative predictive value of 80%. In summary, the available evidence is currently insufficient to determine the role of this variant in disease. Therefore, it has been classified as a Variant of Uncertain Significance.

Women's Health and Genetics/Laboratory Corporation of America, LabCorp
Classification: Uncertain significance. Last evaluated: 2023-11-08. Review status: criteria provided, single submitter. Criteria: LabCorp Variant Classification Summary - May 2015. Collection method: clinical testing. Allele origin: germline.
Comment: Variant summary: SOX11 c.641G>C (p.Gly214Ala) results in a non-conservative amino acid change in the encoded protein sequence. Four of five in-silico tools predict a benign effect of the variant on protein function. The variant was absent in 213608 control chromosomes (gnomAD). The available data on variant occurrences in the general population are insufficient to allow any conclusion about variant significance. To our knowledge, no occurrence of c.641G>C in individuals affected with Mental Retardation, Autosomal Dominant 27 and no experimental evidence demonstrating its impact on protein function have been reported. No submitters have cited clinical-significance assessments for this variant to ClinVar after 2014. Based on the evidence outlined above, the variant was classified as uncertain significance.